The following is an entry in ClinVar:

ClinVar aggregate classification (germline): Likely pathogenic (1 of 4 stars; one submission).

Conditions:
Early-infantile DEE. Also called: Early infantile epileptic encephalopathy; Ohtahara syndrome; Early infantile epileptic encephalopathy with suppression bursts. Identifiers: Orphanet 1934, MedGen C0393706, MONDO:0800491.

Submission:

Labcorp Genetics (formerly Invitae), Labcorp
Classification: Likely pathogenic for Early-infantile DEE. Last evaluated: 2024-07-30. Review status: criteria provided, single submitter. Criteria: Invitae Variant Classification Sherloc (09022015). Collection method: clinical testing. Allele origin: germline.
Comment: This sequence change replaces glutamine, which is neutral and polar, with histidine, which is basic and polar, at codon 1805 of the SPTAN1 protein (p.Gln1805His). This variant is not present in population databases (gnomAD no frequency). This missense change has been observed in individual(s) with clinical features of SPTAN1-related conditions (Invitae). In at least one individual the variant was observed to be de novo. Advanced modeling of protein sequence and biophysical properties (such as structural, functional, and spatial information, amino acid conservation, physicochemical variation, residue mobility, and thermodynamic stability) has been performed at Invitae for this missense variant, however the output from this modeling did not meet the statistical confidence thresholds required to predict the impact of this variant on SPTAN1 protein function. In summary, the currently available evidence indicates that the variant is pathogenic, but additional data are needed to prove that conclusively. Therefore, this variant has been classified as Likely Pathogenic.

NM_001130438.3(SPTAN1):c.5415G>C (p.Gln1805His)

Gene: SPTAN1 (spectrin alpha, non-erythrocytic 1; plus strand). Cytogenetic location: 9q34.11.
Variant type: single nucleotide variant.
Coding change: c.5415G>C on transcript NM_001130438.3 (MANE Select); coding-DNA position 5415, G replaced by C.
Protein change: p.Gln1805His; replaces glutamine 1805 with histidine.
Molecular consequence: missense variant.
Genome position (GRCh38, 1-based): chr9:128,617,697, G>C. VCF-style: chr9-128617697-G-C. GRCh37 (hg19) VCF-style: chr9-131379976-G-C.
Other names: c.5340G>C, p.Gln1780His (NM_001195532.2); c.5415G>C, p.Gln1805His (NM_001363759.2, NM_001375310.1, NM_001375311.2 and 1 more transcripts); c.5355G>C, p.Gln1785His (NM_001363765.2, NM_001375314.2); c.5451G>C, p.Gln1817His (NM_001375312.2, NM_001375318.1); c.5400G>C, p.Gln1800His (NM_003127.4); short protein forms Q1800H, Q1780H, Q1817H, Q1785H, Q1805H.
Identifiers: ClinVar variation 3635922 (VCV003635922.2).